The following is an entry in ClinVar:

ClinVar aggregate classification (germline): Uncertain significance. Review status: criteria provided, multiple submitters, no conflicts (2 of 4 stars). 2 submissions from 2 submitters: Uncertain significance (2). Last evaluated 2024-11-27.

Conditions:
Hereditary cancer-predisposing syndrome. Also called: Neoplastic Syndromes, Hereditary; Hereditary Cancer Syndrome; Hereditary neoplastic syndrome; Tumor predisposition. Identifiers: Orphanet 140162, MedGen C0027672, MeSH D009386, MONDO:0015356.

Allele frequency attached by ClinVar (database versions not stated): ExAC 0.00002.
gnomAD v4.1: 2 of 1,613,220 alleles (0.00012%); highest among the groups gnomAD compares: East Asian, 0.0022%; no homozygotes.

Submissions (2):

Labcorp Genetics (formerly Invitae), Labcorp
Classification: Uncertain significance. Last evaluated: 2024-11-27. Review status: criteria provided, single submitter. Criteria: Invitae Variant Classification Sherloc (09022015). Collection method: clinical testing. Allele origin: germline.
Comment: This sequence change replaces proline, which is neutral and non-polar, with histidine, which is basic and polar, at codon 89 of the NTHL1 protein (p.Pro89His). This variant is present in population databases (rs753642509, gnomAD 0.02%). This variant has not been reported in the literature in individuals affected with NTHL1-related conditions. ClinVar contains an entry for this variant (Variation ID: 1440162). An algorithm developed to predict the effect of missense changes on protein structure and function (PolyPhen-2) suggests that this variant is likely to be disruptive. In summary, the available evidence is currently insufficient to determine the role of this variant in disease. Therefore, it has been classified as a Variant of Uncertain Significance.

Ambry Genetics
Classification: Uncertain significance for Hereditary cancer-predisposing syndrome. Last evaluated: 2024-03-14. Review status: criteria provided, single submitter. Criteria: Ambry Variant Classification Scheme 2023. Collection method: clinical testing. Allele origin: germline.
Comment: The p.P89H variant (also known as c.266C>A), located in coding exon 2 of the NTHL1 gene, results from a C to A substitution at nucleotide position 266. The proline at codon 89 is replaced by histidine, an amino acid with similar properties. This amino acid position is highly conserved in available vertebrate species. In addition, the in silico prediction for this alteration is inconclusive. Based on the available evidence, the clinical significance of this alteration remains unclear.

NM_002528.7(NTHL1):c.242C>A (p.Pro81His)

Gene: NTHL1 (nth like DNA glycosylase 1; minus strand). Cytogenetic location: 16p13.3.
Variant type: single nucleotide variant.
Coding change: c.242C>A on transcript NM_002528.7 (MANE Select); coding-DNA position 242, C replaced by A.
Protein change: p.Pro81His; replaces proline 81 with histidine.
Molecular consequence: missense variant. On other transcripts: intron variant (1).
Genome position (GRCh38, 1-based): chr16:2,046,240, G>T on the plus strand (C>A on the coding strand, the complement: NTHL1 is on the minus strand). VCF-style: chr16-2046240-G-T. GRCh37 (hg19) VCF-style: chr16-2096241-G-T.
Other names: c.266C>A (NM_002528.5); c.242C>A, p.Pro81His (NM_001318193.2); c.24+40C>A (NM_001318194.2); short protein forms P81H.
Identifiers: ClinVar variation 1440162 (VCV001440162.6), dbSNP rs753642509, ClinGen allele CA7828338.
Genomic context (GRCh38, chr16:2,046,240, plus strand): 5'-GGTGCATCCTTTTTGTTCCTCATGGCACGGATGTTGACCAGCTGTTGCTGCCAGTCCTGG[G>T]GCTCCCAGACTGGCACCTTGAGGGGCTCAGCCCCCTCACCTTTCTCACTGTCCGAGCCCT-3'
Protein context (NP_002519.2, residues 71-91): AEPLKVPVWE[Pro81His]QDWQQQLVNI